The following is an entry in ClinVar:

NM_033004.4(NLRP1):c.2809G>A (p.Val937Ile)

Gene: NLRP1 (NLR family pyrin domain containing 1; minus strand). Cytogenetic location: 17p13.2.
Variant type: single nucleotide variant.
Coding change: c.2809G>A on transcript NM_033004.4 (MANE Select); coding-DNA position 2809, G replaced by A.
Protein change: p.Val937Ile; replaces valine 937 with isoleucine.
Molecular consequence: missense variant.
Genome position (GRCh38, 1-based): chr17:5,539,476, C>T on the plus strand (G>A on the coding strand, the complement: NLRP1 is on the minus strand). VCF-style: chr17-5539476-C-T. GRCh37 (hg19) VCF-style: chr17-5442796-C-T.
Other names: c.2809G>A, p.Val937Ile (NM_001033053.3, NM_014922.5, NM_033006.4 and 1 more transcripts); c.2809G>A (NM_033004.3); short protein forms V937I.
Identifiers: ClinVar variation 1991956 (VCV001991956.4), dbSNP rs760487890, ClinGen allele CA8327055.
Genomic context (GRCh38, chr17:5,539,476, plus strand): 5'-CCAGGCGTATGAGTTTGCAGGCAGGATGCCTGAGCCCCTCACAGAGCAGTCGCACGCCAA[C>T]GTCATCCAGGTTGTTCTGCTGCAGGTCTAGCTCCTTCAGGCTGGGGCTGGCACTAAGCAC-3'
Protein context (NP_127497.1, residues 927-947): LDLQQNNLDD[Val937Ile]GVRLLCEGLR

ClinVar aggregate classification (germline): Uncertain significance. Review status: criteria provided, multiple submitters, no conflicts (2 of 4 stars). 2 submissions from 2 submitters: Uncertain significance (2). Last evaluated 2025-08-14.

Conditions:
Inborn genetic diseases. Identifiers: MedGen C0950123, MeSH D030342.

Allele frequency attached by ClinVar (database versions not stated): ExAC 0.00001; gnomAD 0.00001.
gnomAD v4.1: 21 of 1,614,062 alleles (0.0013%); highest among the groups gnomAD compares: African/African-American, 0.0027%; no homozygotes.

Submissions (2):

Ambry Genetics
Classification: Uncertain significance for Inborn genetic diseases. Last evaluated: 2025-08-14. Review status: criteria provided, single submitter. Criteria: Ambry Variant Classification Scheme 2023. Collection method: clinical testing. Allele origin: germline.

Labcorp Genetics (formerly Invitae), Labcorp
Classification: Uncertain significance. Last evaluated: 2023-02-06. Review status: criteria provided, single submitter. Criteria: Invitae Variant Classification Sherloc (09022015). Collection method: clinical testing. Allele origin: germline.
Comment: This variant has not been reported in the literature in individuals affected with NLRP1-related conditions. Algorithms developed to predict the effect of missense changes on protein structure and function (SIFT, PolyPhen-2, Align-GVGD) all suggest that this variant is likely to be tolerated. In summary, the available evidence is currently insufficient to determine the role of this variant in disease. Therefore, it has been classified as a Variant of Uncertain Significance. This variant is present in population databases (rs760487890, gnomAD 0.003%). This sequence change replaces valine, which is neutral and non-polar, with isoleucine, which is neutral and non-polar, at codon 937 of the NLRP1 protein (p.Val937Ile).